The following is an entry in ClinVar:

ClinVar aggregate classification (germline): Likely pathogenic (1 of 4 stars; one submission).

Submission:

GeneDx
Classification: Likely pathogenic. Last evaluated: 2016-08-08. Review status: criteria provided, single submitter. Criteria: GeneDx Variant Classification (06012015). Collection method: clinical testing. Allele origin: germline. Affected: yes.
Comment: The S378L variant in the PORCN gene has not been reported previously as a pathogenic variant nor as a benign variant, to our knowledge. The S378L variant was not observed in approximately 6500 individuals of European and African American ancestry in the NHLBI Exome Sequencing Project, indicating it is not a common benign variant in these populations. The S378L variant is a non-conservative amino acid substitution, which is likely to impact secondary protein structure as these residues differ in polarity, charge, size and/or other properties. This substitution occurs at a position that is conserved across species. In silico analysis predicts this variant is probably damaging to the protein structure/function. Therefore, we interpret S378L as a likely pathogenic variant.

NM_203475.3(PORCN):c.1133C>T (p.Ser378Leu)

Gene: PORCN (porcupine O-acyltransferase; plus strand). Cytogenetic location: Xp11.23.
Variant type: single nucleotide variant.
Coding change: c.1133C>T on transcript NM_203475.3 (MANE Select); coding-DNA position 1133, C replaced by T.
Protein change: p.Ser378Leu; replaces serine 378 with leucine.
Molecular consequence: missense variant.
Genome position (GRCh38, 1-based): chrX:48,516,106, C>T. VCF-style: chrX-48516106-C-T. GRCh37 (hg19) VCF-style: chrX-48374494-C-T.
Other names: c.887C>T, p.Ser296Leu (NM_001282167.2); c.1100C>T, p.Ser367Leu (NM_022825.4); c.1118C>T, p.Ser373Leu (NM_203473.3); c.1115C>T, p.Ser372Leu (NM_203474.1); short protein forms S373L, S378L, S296L, S372L, S367L.
Identifiers: ClinVar variation 421875 (VCV000421875.2), dbSNP rs1064795419, ClinGen allele CA16621413.